The following is an entry in ClinVar:

ClinVar aggregate classification (germline): Uncertain significance. Review status: criteria provided, multiple submitters, no conflicts (2 of 4 stars). 2 submissions from 2 submitters: Uncertain significance (2). Last evaluated 2022-11-07.

Conditions:
Neuropathy, hereditary sensory and autonomic, type 2A (HSAN2A). Also called: ACROOSTEOLYSIS, GIACCAI TYPE; ACROOSTEOLYSIS, NEUROGENIC; WNK1-Related HSAN2 (HSAN2A); HSAN IIA; MORVAN DISEASE; NEUROPATHY, CONGENITAL SENSORY. Identifiers: Orphanet 970, MedGen C2752089, MONDO:0024309, OMIM 201300.
Generalized epilepsy with febrile seizures plus, type 7 (GEFSP7). Also called: GEFS+, TYPE 7. Identifiers: Orphanet 36387, MedGen C2751778, MONDO:0013470, OMIM 613863.
Primary erythromelalgia. Also called: SCN9A Erythromelalgia (SCN9A-EM); primary erythermalgia. Identifiers: Orphanet 306577, Orphanet 90026, MedGen C0014805, MONDO:0007571, OMIM 133020.

gnomAD v4.1: 1 of 1,613,946 alleles (0.000062%); highest among the groups gnomAD compares: African/African-American, 0.0013%; no homozygotes.

Submissions (2):

Center for Human Genetics and Genomic Medicine, Uniklinik Rwth Aachen
Classification: Uncertain significance for Primary erythromelalgia. Last evaluated: 2022-11-07. Review status: criteria provided, single submitter. Criteria: ACMG Guidelines, 2015. Collection method: clinical testing. Allele origin: unknown. Inheritance: Autosomal dominant inheritance. Affected: yes. Observed: 1 heterozygote.

Labcorp Genetics (formerly Invitae), Labcorp
Classification: Uncertain significance for Neuropathy, hereditary sensory and autonomic, type 2A; Generalized epilepsy with febrile seizures plus, type 7. Last evaluated: 2022-03-18. Review status: criteria provided, single submitter. Criteria: Invitae Variant Classification Sherloc (09022015). Collection method: clinical testing. Allele origin: germline.
Comment: In summary, the available evidence is currently insufficient to determine the role of this variant in disease. Therefore, it has been classified as a Variant of Uncertain Significance. Algorithms developed to predict the effect of missense changes on protein structure and function are either unavailable or do not agree on the potential impact of this missense change (SIFT: "Tolerated"; PolyPhen-2: "Probably Damaging"; Align-GVGD: "Class C0"). This variant has not been reported in the literature in individuals affected with SCN9A-related conditions. This variant is not present in population databases (gnomAD no frequency). This sequence change replaces arginine, which is basic and polar, with serine, which is neutral and polar, at codon 1837 of the SCN9A protein (p.Arg1837Ser).

NM_001365536.1(SCN9A):c.5542C>A (p.Arg1848Ser)

Genes: SCN1A-AS1 (SCN1A and SCN9A antisense RNA 1; plus strand), SCN9A (sodium voltage-gated channel alpha subunit 9; minus strand). Cytogenetic location: 2q24.3.
Variant type: single nucleotide variant.
Coding change: c.5542C>A on transcript NM_001365536.1 (MANE Select); coding-DNA position 5542, C replaced by A.
Protein change: p.Arg1848Ser; replaces arginine 1848 with serine.
Molecular consequence: missense variant.
Genome position (GRCh38, 1-based): chr2:166,199,097, G>T on the plus strand (C>A on the coding strand, the complement: SCN9A is on the minus strand). VCF-style: chr2-166199097-G-T. GRCh37 (hg19) VCF-style: chr2-167055607-G-T.
Other names: c.5509C>A, p.Arg1837Ser (NM_002977.4); short protein forms R1837S, R1848S.
Identifiers: ClinVar variation 1492429 (VCV001492429.8), dbSNP rs1381335907, ClinGen allele CA349052437.
Genomic context (GRCh38, chr2:166,199,097, plus strand): 5'-TGAACCTTTCTTCCATCTGTGAACGAAGAGAATCCATCTCCCCACTCTCACCCAAAACAC[G>T]CTTTGTAAAAGCAAATAAGATGTCAAGACAATGGATCCGGTCACCACTAACCATGGGCAG-3'
Protein context (NP_001352465.1, residues 1838-1858): CLDILFAFTK[Arg1848Ser]VLGESGEMDS